The following is an entry in ClinVar:

ClinVar aggregate classification (germline): Uncertain significance (1 of 4 stars; one submission).

Submission:

Labcorp Genetics (formerly Invitae), Labcorp
Classification: Uncertain significance. Last evaluated: 2023-11-15. Review status: criteria provided, single submitter. Criteria: Invitae Variant Classification Sherloc (09022015). Collection method: clinical testing. Allele origin: germline.
Comment: This sequence change replaces aspartic acid, which is acidic and polar, with histidine, which is basic and polar, at codon 840 of the ERBIN protein (p.Asp840His). This variant is not present in population databases (gnomAD no frequency). This variant has not been reported in the literature in individuals affected with ERBIN-related conditions. An algorithm developed to predict the effect of missense changes on protein structure and function (PolyPhen-2) suggests that this variant is likely to be tolerated. In summary, the available evidence is currently insufficient to determine the role of this variant in disease. Therefore, it has been classified as a Variant of Uncertain Significance.

NM_001253697.2(ERBIN):c.2518G>C (p.Asp840His)

Gene: ERBIN (erbb2 interacting protein; plus strand). Cytogenetic location: 5q12.3.
Variant type: single nucleotide variant.
Coding change: c.2518G>C on transcript NM_001253697.2 (MANE Select); coding-DNA position 2518, G replaced by C.
Protein change: p.Asp840His; replaces aspartic acid 840 with histidine.
Molecular consequence: missense variant.
Genome position (GRCh38, 1-based): chr5:66,053,836, G>C. VCF-style: chr5-66053836-G-C. GRCh37 (hg19) VCF-style: chr5-65349664-G-C.
Other names: c.2518G>C, p.Asp840His (NM_001006600.3, NM_001253698.2, NM_001253699.2 and 1 more transcripts); c.2506G>C, p.Asp836His (NM_001253701.2); short protein forms D836H, D840H.
Identifiers: ClinVar variation 2728028 (VCV002728028.3), dbSNP rs2546812095, ClinGen allele CA359867044.
Genomic context (GRCh38, chr5:66,053,836, plus strand): 5'-AATAAGGTAAATGGACATTCTGAGGAAACTTCCCAGTCTCCTAATAGGACTGAACCACAT[G>C]ACAGTGATTGTTCTGTTGACTTAGGTATTTCCAAAAGCACTGAAGATCTCTCCCCTCAGA-3'
Protein context (NP_001240626.1, residues 830-850): SQSPNRTEPH[Asp840His]SDCSVDLGIS